The following is an entry in ClinVar:

ClinVar aggregate classification (germline): Uncertain significance (1 of 4 stars; one submission).

gnomAD v4.1: 1 of 1,211,430 alleles (0.000083%); highest among the groups gnomAD compares: Non-Finnish European, 0.00011%; no homozygotes.

Submission:

GeneDx
Classification: Uncertain significance. Last evaluated: 2024-10-10. Review status: criteria provided, single submitter. Criteria: GeneDx Variant Classification Process June 2021. Collection method: clinical testing. Allele origin: germline. Affected: yes.
Comment: In silico analysis is inconclusive as to whether the variant alters gene splicing. In the absence of RNA/functional studies, the actual effect of this sequence change is unknown.; Has not been previously published as pathogenic or benign to our knowledge

NM_001110556.2(FLNA):c.4587G>A (p.Glu1529=)

Gene: FLNA (filamin A; minus strand). Cytogenetic location: Xq28.
Variant type: single nucleotide variant.
Coding change: c.4587G>A on transcript NM_001110556.2 (MANE Select); coding-DNA position 4587, G replaced by A.
Protein change: p.Glu1529=; no amino-acid change (glutamic acid 1529 retained).
Molecular consequence: synonymous variant.
Genome position (GRCh38, 1-based): chrX:154,358,456, C>T on the plus strand (G>A on the coding strand, the complement: FLNA is on the minus strand). VCF-style: chrX-154358456-C-T. GRCh37 (hg19) VCF-style: chrX-153586824-C-T.
Other names: c.4587G>A, p.Glu1529= (NM_001456.4).
Identifiers: ClinVar variation 3777462 (VCV003777462.1).